The following is an entry in ClinVar:

NM_018417.6(ADCY10):c.709A>T (p.Met237Leu)

Genes: ADCY10 (adenylate cyclase 10; minus strand), DCAF6 (DDB1 and CUL4 associated factor 6; plus strand). Cytogenetic location: 1q24.2.
Variant type: single nucleotide variant.
Coding change: c.709A>T on transcript NM_018417.6 (MANE Select); coding-DNA position 709, A replaced by T.
Protein change: p.Met237Leu; replaces methionine 237 with leucine.
Molecular consequence: missense variant.
Genome position (GRCh38, 1-based): chr1:167,896,625, T>A on the plus strand (A>T on the coding strand, the complement: ADCY10 is on the minus strand). VCF-style: chr1-167896625-T-A. GRCh37 (hg19) VCF-style: chr1-167865863-T-A.
Other names: c.250A>T, p.Met84Leu (NM_001167749.3); c.433A>T, p.Met145Leu (NM_001297772.2); short protein forms M84L, M145L, M237L.
Identifiers: ClinVar variation 2553976 (VCV002553976.6), dbSNP rs201531121, ClinGen allele CA1228211.

ClinVar aggregate classification (germline): Uncertain significance. Review status: criteria provided, multiple submitters, no conflicts (2 of 4 stars). 2 submissions from 2 submitters: Uncertain significance (2). Last evaluated 2025-05-05.

Allele frequency attached by ClinVar (database versions not stated): TOPMed 0.00002; gnomAD 0.00003; 1000 Genomes Project 30x 0.00016; 1000 Genomes Project 0.00020.
gnomAD v4.1: 30 of 1,613,666 alleles (0.0019%); highest among the groups gnomAD compares: Admixed American, 0.015%; no homozygotes.

Submissions (2):

Ambry Genetics
Classification: Uncertain significance. Last evaluated: 2025-05-05. Review status: criteria provided, single submitter. Criteria: Ambry Variant Classification Scheme 2023. Collection method: clinical testing. Allele origin: germline.

Labcorp Genetics (formerly Invitae), Labcorp
Classification: Uncertain significance. Last evaluated: 2023-08-17. Review status: criteria provided, single submitter. Criteria: Invitae Variant Classification Sherloc (09022015). Collection method: clinical testing. Allele origin: germline.
Comment: Algorithms developed to predict the effect of missense changes on protein structure and function output the following: SIFT: "Not Available"; PolyPhen-2: "Benign"; Align-GVGD: "Not Available". The leucine amino acid residue is found in multiple mammalian species, which suggests that this missense change does not adversely affect protein function. This sequence change replaces methionine, which is neutral and non-polar, with leucine, which is neutral and non-polar, at codon 237 of the ADCY10 protein (p.Met237Leu). This variant is present in population databases (rs201531121, gnomAD 0.02%). This variant has not been reported in the literature in individuals affected with ADCY10-related conditions. ClinVar contains an entry for this variant (Variation ID: 2553976). In summary, the available evidence is currently insufficient to determine the role of this variant in disease. Therefore, it has been classified as a Variant of Uncertain Significance.